The following is an entry in ClinVar:

NM_020433.5(JPH2):c.1783G>A (p.Ala595Thr)

Gene: JPH2 (junctophilin 2; minus strand). Cytogenetic location: 20q13.12.
Variant type: single nucleotide variant.
Coding change: c.1783G>A on transcript NM_020433.5 (MANE Select); coding-DNA position 1783, G replaced by A.
Protein change: p.Ala595Thr; replaces alanine 595 with threonine.
Molecular consequence: missense variant.
Genome position (GRCh38, 1-based): chr20:44,115,892, C>T on the plus strand (G>A on the coding strand, the complement: JPH2 is on the minus strand). VCF-style: chr20-44115892-C-T. GRCh37 (hg19) VCF-style: chr20-42744532-C-T.
Other names: short protein forms A595T.
Identifiers: ClinVar variation 3531484 (VCV003531484.2).

ClinVar aggregate classification (germline): Conflicting classifications of pathogenicity. Review status: criteria provided, conflicting classifications (1 of 4 stars). 2 submissions from 2 submitters: Uncertain significance (1); Likely benign (1). Last evaluated 2025-10-21.

Conditions:
Hypertrophic cardiomyopathy. Also called: HYPERTROPHIC MYOCARDIOPATHY. Identifiers: Orphanet 217569, MedGen C0007194, MeSH D002312, MONDO:0005045, HP:0001639.
Cardiovascular phenotype. Identifiers: MedGen CN230736.

gnomAD v4.1: 19 of 1,577,592 alleles (0.0012%); highest among the groups gnomAD compares: African/African-American, 0.0094%; no homozygotes.

Submissions (2):

Labcorp Genetics (formerly Invitae), Labcorp
Classification: Uncertain significance for Hypertrophic cardiomyopathy. Last evaluated: 2025-10-21. Review status: criteria provided, single submitter. Criteria: Invitae Variant Classification Sherloc (09022015). Collection method: clinical testing. Allele origin: germline.
Comment: This sequence change replaces alanine, which is neutral and non-polar, with threonine, which is neutral and polar, at codon 595 of the JPH2 protein (p.Ala595Thr). This variant is present in population databases (rs528177590, gnomAD 0.02%). This variant has not been reported in the literature in individuals affected with JPH2-related conditions. ClinVar contains an entry for this variant (Variation ID: 3531484). An algorithm developed to predict the effect of missense changes on protein structure and function outputs the following: PolyPhen-2: "Benign". The threonine amino acid residue is found in multiple mammalian species, which suggests that this missense change does not adversely affect protein function. In summary, the available evidence is currently insufficient to determine the role of this variant in disease. Therefore, it has been classified as a Variant of Uncertain Significance.

Ambry Genetics
Classification: Likely benign for Cardiovascular phenotype. Last evaluated: 2024-10-10. Review status: criteria provided, single submitter. Criteria: Ambry Variant Classification Scheme 2023. Collection method: clinical testing. Allele origin: germline.